The following is an entry in ClinVar:

NM_001267550.2(TTN):c.107786C>A (p.Thr35929Lys)

Genes: TTN (titin; minus strand), TTN-AS1 (TTN antisense RNA 1; plus strand). Cytogenetic location: 2q31.2.
Variant type: single nucleotide variant.
Coding change: c.107786C>A on transcript NM_001267550.2 (MANE Select); coding-DNA position 107786, C replaced by A.
Protein change: p.Thr35929Lys; replaces threonine 35929 with lysine.
Molecular consequence: missense variant.
Genome position (GRCh38, 1-based): chr2:178,527,202, G>T on the plus strand (C>A on the coding strand, the complement: TTN is on the minus strand). VCF-style: chr2-178527202-G-T. GRCh37 (hg19) VCF-style: chr2-179391929-G-T.
Other names: c.102863C>A, p.Thr34288Lys (NM_001256850.1); c.80591C>A, p.Thr26864Lys (NM_003319.4); c.100082C>A, p.Thr33361Lys (NM_133378.4); c.80966C>A, p.Thr26989Lys (NM_133432.3); c.81167C>A, p.Thr27056Lys (NM_133437.4); short protein forms T26864K, T26989K, T33361K, T27056K, T34288K, T35929K.
Identifiers: ClinVar variation 2157956 (VCV002157956.4), dbSNP rs751035844, ClinGen allele CA1984874.
Genomic context (GRCh38, chr2:178,527,202, plus strand): 5'-TTTTCAATGTGGAACCTCCCCTGTTCTTGACTGTGGATTTTTCTTCCACCACAGGACCAT[G>T]TTACTTCTGGGGTAGGCTCACCCGTGAAAGCACAGGCTACTGTTAGAACTTTGCCTTCAT-3'
Protein context (NP_001254479.2, residues 35919-35939): AFTGEPTPEV[Thr35929Lys]WSCGGRKIHS

ClinVar aggregate classification (germline): Uncertain significance (1 of 4 stars; one submission).

Conditions:
Autosomal recessive limb-girdle muscular dystrophy type 2J (LGMDR10). Also called: MUSCULAR DYSTROPHY, LIMB-GIRDLE, AUTOSOMAL RECESSIVE 10; Limb-girdle muscular dystrophy, type 2J. Identifiers: Orphanet 140922, MedGen C1837342, MONDO:0012127, OMIM 608807.
Dilated cardiomyopathy 1G (CMD1G). Identifiers: Orphanet 154, MedGen C1858763, MONDO:0011400, OMIM 604145.

Allele frequency attached by ClinVar (database versions not stated): gnomAD 0.00001; ExAC 0.00003; gnomAD exomes 0.00004.
gnomAD v4.1: 29 of 1,613,830 alleles (0.0018%); highest among the groups gnomAD compares: Non-Finnish European, 0.000085%; no homozygotes.

Submission:

Labcorp Genetics (formerly Invitae), Labcorp
Classification: Uncertain significance for Dilated cardiomyopathy 1G; Autosomal recessive limb-girdle muscular dystrophy type 2J. Last evaluated: 2023-02-20. Review status: criteria provided, single submitter. Criteria: Invitae Variant Classification Sherloc (09022015). Collection method: clinical testing. Allele origin: germline.
Comment: In summary, the available evidence is currently insufficient to determine the role of this variant in disease. Therefore, it has been classified as a Variant of Uncertain Significance. This variant is located in the M band of TTN (PMID: 25589632). Variants in this region may be relevant for neuromuscular disorders, but have not been definitively shown to cause cardiomyopathy (PMID: 23975875). Experimental studies and prediction algorithms are not available or were not evaluated, and the functional significance of this variant is currently unknown. This variant has not been reported in the literature in individuals affected with TTN-related conditions. The frequency data for this variant in the population databases is considered unreliable, as metrics indicate poor data quality at this position in the gnomAD database. This sequence change replaces threonine, which is neutral and polar, with lysine, which is basic and polar, at codon 35929 of the TTN protein (p.Thr35929Lys).

Literature cited by the submitters: PubMed 25589632; PubMed 23975875.